The following is an entry in ClinVar:

NM_017934.7(PHIP):c.4493C>T (p.Thr1498Ile)

Genes: IRAK1BP1 (interleukin 1 receptor associated kinase 1 binding protein 1; plus strand), PHIP (PHIP subunit of CUL4-Ring ligase complex; minus strand). Cytogenetic location: 6q14.1.
Variant type: single nucleotide variant.
Coding change: c.4493C>T on transcript NM_017934.7 (MANE Select); coding-DNA position 4493, C replaced by T.
Protein change: p.Thr1498Ile; replaces threonine 1498 with isoleucine.
Molecular consequence: missense variant.
Genome position (GRCh38, 1-based): chr6:78,946,138, G>A on the plus strand (C>T on the coding strand, the complement: PHIP is on the minus strand). VCF-style: chr6-78946138-G-A. GRCh37 (hg19) VCF-style: chr6-79655855-G-A.
Other names: short protein forms T1498I.
Identifiers: ClinVar variation 3030580 (VCV003030580.2), dbSNP rs1773800809, ClinGen allele CA364637432.

ClinVar aggregate classification (germline): Uncertain significance (0 of 4 stars; one submission).

Conditions:
PHIP-related disorder. Also called: PHIP-related condition; PHIP-related disorders.

Allele frequency attached by ClinVar (database versions not stated): gnomAD exomes below 0.00001; TOPMed below 0.00001.
gnomAD v4.1: 1 of 1,614,108 alleles (0.000062%); highest among the groups gnomAD compares: Non-Finnish European, 0.000085%; no homozygotes.

Submission:

PreventionGenetics, part of Exact Sciences
Classification: Uncertain significance for PHIP-related condition. Last evaluated: 2024-01-19. Review status: no assertion criteria provided. Collection method: clinical testing. Allele origin: germline.
Comment: The PHIP c.4493C>T variant is predicted to result in the amino acid substitution p.Thr1498Ile. To our knowledge, this variant has not been reported in the literature or in a large population database, indicating this variant is rare. At this time, the clinical significance of this variant is uncertain due to the absence of conclusive functional and genetic evidence.